The following is an entry in ClinVar:

ClinVar aggregate classification (germline): Uncertain significance. Review status: criteria provided, single submitter (1 of 4 stars). 2 submissions from 2 submitters: Uncertain significance (1). 1 of the submissions does not count toward it. Last evaluated 2023-10-06.

Conditions:
PAK1-related disorder. Also called: PAK1-related condition.

Submissions (2):

Blueprint Genetics
Classification: Uncertain significance. Last evaluated: 2023-10-06. Review status: criteria provided, single submitter. Criteria: ACMG Guidelines, 2015. Collection method: clinical testing. Allele origin: germline.

PreventionGenetics, part of Exact Sciences
Classification: Likely pathogenic for PAK1-related condition. Last evaluated: 2023-12-31. Review status: no assertion criteria provided. Collection method: clinical testing. Allele origin: germline. Not counted in ClinVar's aggregate classification.
Comment: The PAK1 c.262G>A variant is predicted to result in the amino acid substitution p.Gly88Ser. To our knowledge, this variant has not been reported in the literature or in a large population database, indicating this variant is rare. This variant is interpreted as likely pathogenic.

NM_002576.5(PAK1):c.262G>A (p.Gly88Ser)

Gene: PAK1 (p21 (RAC1) activated kinase 1; minus strand). Cytogenetic location: 11q13.5.
Variant type: single nucleotide variant.
Coding change: c.262G>A on transcript NM_002576.5 (MANE Select); coding-DNA position 262, G replaced by A.
Protein change: p.Gly88Ser; replaces glycine 88 with serine.
Molecular consequence: missense variant. On other transcripts: 5 prime UTR variant (2), non-coding transcript variant (2), intron variant (2).
Genome position (GRCh38, 1-based): chr11:77,379,923, C>T on the plus strand (G>A on the coding strand, the complement: PAK1 is on the minus strand). VCF-style: chr11-77379923-C-T. GRCh37 (hg19) VCF-style: chr11-77090968-C-T.
Other names: c.262G>A, p.Gly88Ser (NM_001128620.2, NM_001376268.1, NM_001376269.1 and 27 more transcripts); c.-33G>A (NM_001376302.1, NM_001376305.1); c.-3-535G>A (NM_001376304.1); c.191-5558G>A (NM_001376301.1); short protein forms G88S.
Identifiers: ClinVar variation 3042598 (VCV003042598.3), dbSNP rs2540830069, ClinGen allele CA382169968.